The following is an entry in ClinVar:

ClinVar aggregate classification (germline): Uncertain significance (1 of 4 stars; one submission).

Conditions:
Hereditary cancer-predisposing syndrome. Also called: Tumor predisposition; Hereditary Cancer Syndrome; Hereditary neoplastic syndrome; Neoplastic Syndromes, Hereditary. Identifiers: Orphanet 140162, MedGen C0027672, MeSH D009386, MONDO:0015356.

Allele frequency attached by ClinVar (database versions not stated): gnomAD exomes below 0.00001.
gnomAD v4.1: 4 of 1,613,892 alleles (0.00025%); highest among the groups gnomAD compares: Non-Finnish European, 0.00034%; no homozygotes.

Submission:

Ambry Genetics
Classification: Uncertain significance for Hereditary cancer-predisposing syndrome. Last evaluated: 2025-12-15. Review status: criteria provided, single submitter. Criteria: Ambry Variant Classification Scheme 2023. Collection method: clinical testing. Allele origin: germline.
Comment: The p.F62S variant (also known as c.185T>C), located in coding exon 3 of the MRE11A gene, results from a T to C substitution at nucleotide position 185. The phenylalanine at codon 62 is replaced by serine, an amino acid with highly dissimilar properties. This amino acid position is highly conserved in available vertebrate species. In addition, this alteration is predicted to be deleterious by in silico analysis. Since supporting evidence is limited at this time, the clinical significance of this alteration remains unclear.

NM_005591.4(MRE11):c.185T>C (p.Phe62Ser)

Gene: MRE11 (MRE11 double strand break repair nuclease; minus strand). Cytogenetic location: 11q21.
Variant type: single nucleotide variant.
Coding change: c.185T>C on transcript NM_005591.4 (MANE Select); coding-DNA position 185, T replaced by C.
Protein change: p.Phe62Ser; replaces phenylalanine 62 with serine.
Molecular consequence: missense variant.
Genome position (GRCh38, 1-based): chr11:94,486,053, A>G on the plus strand (T>C on the coding strand, the complement: MRE11 is on the minus strand). VCF-style: chr11-94486053-A-G. GRCh37 (hg19) VCF-style: chr11-94219219-A-G.
Other names: c.185T>C, p.Phe62Ser (NM_001330347.2, NM_005590.4); short protein forms F62S.
Identifiers: ClinVar variation 1800364 (VCV001800364.3), dbSNP rs2496621210, ClinGen allele CA382379833.